The following is an entry in ClinVar:

NM_004311.4(ARL3):c.512A>T (p.Asn171Ile)

Gene: ARL3 (ARF like GTPase 3; minus strand). Cytogenetic location: 10q24.32.
Variant type: single nucleotide variant.
Coding change: c.512A>T on transcript NM_004311.4 (MANE Select); coding-DNA position 512, A replaced by T.
Protein change: p.Asn171Ile; replaces asparagine 171 with isoleucine.
Molecular consequence: missense variant.
Genome position (GRCh38, 1-based): chr10:102,676,931, T>A on the plus strand (A>T on the coding strand, the complement: ARL3 is on the minus strand). VCF-style: chr10-102676931-T-A. GRCh37 (hg19) VCF-style: chr10-104436688-T-A.
Other names: short protein forms N171I.
Identifiers: ClinVar variation 1402169 (VCV001402169.6), dbSNP rs1381186949, ClinGen allele CA377918317.
Genomic context (GRCh38, chr10:102,676,931, plus strand): 5'-CTGCATCTCCATTCGTCTAGATTTTATTTCTTCTTTGCATTGACATTTTTGCAGACCCAG[T>A]TCATGCCATCCTTTGAGGGAAATGGGCAGAGAAAGGCAGTGTTAGTTATAAGAAAAGCAC-3'
Protein context (NP_004302.1, residues 161-181): LTGEGVQDGM[Asn171Ile]WVCKNVNAKK

ClinVar aggregate classification (germline): Uncertain significance (1 of 4 stars; one submission).

Allele frequency attached by ClinVar (database versions not stated): gnomAD exomes 0.00001 and 0.00002.
gnomAD v4.1: 10 of 1,614,154 alleles (0.00062%); highest among the groups gnomAD compares: Middle Eastern, 0.016%; no homozygotes.

Submission:

Labcorp Genetics (formerly Invitae), Labcorp
Classification: Uncertain significance. Last evaluated: 2022-08-13. Review status: criteria provided, single submitter. Criteria: Invitae Variant Classification Sherloc (09022015). Collection method: clinical testing. Allele origin: germline.
Comment: Algorithms developed to predict the effect of missense changes on protein structure and function are either unavailable or do not agree on the potential impact of this missense change (SIFT: "Deleterious"; PolyPhen-2: "Benign"; Align-GVGD: "Class C0"). ClinVar contains an entry for this variant (Variation ID: 1402169). This variant has not been reported in the literature in individuals affected with ARL3-related conditions. In summary, the available evidence is currently insufficient to determine the role of this variant in disease. Therefore, it has been classified as a Variant of Uncertain Significance. This sequence change replaces asparagine, which is neutral and polar, with isoleucine, which is neutral and non-polar, at codon 171 of the ARL3 protein (p.Asn171Ile). This variant is present in population databases (no rsID available, gnomAD 0.006%).